The following is an entry in ClinVar:

ClinVar aggregate classification (germline): Uncertain significance (1 of 4 stars; one submission).

Allele frequency attached by ClinVar (database versions not stated): TOPMed below 0.00001; gnomAD 0.00001; gnomAD exomes 0.00002.
gnomAD v4.1: 36 of 1,606,410 alleles (0.0022%); highest among the groups gnomAD compares: Non-Finnish European, 0.0028%; no homozygotes.

Submission:

Labcorp Genetics (formerly Invitae), Labcorp
Classification: Uncertain significance. Last evaluated: 2023-10-03. Review status: criteria provided, single submitter. Criteria: Invitae Variant Classification Sherloc (09022015). Collection method: clinical testing. Allele origin: germline.
Comment: This sequence change falls in intron 5 of the STAG1 gene. It does not directly change the encoded amino acid sequence of the STAG1 protein. It affects a nucleotide within the consensus splice site. This variant is present in population databases (no rsID available, gnomAD 0.0009%). This variant has not been reported in the literature in individuals affected with STAG1-related conditions. This variant has been observed in at least one individual who was not affected with STAG1-related conditions (Invitae). Variants that disrupt the consensus splice site are a relatively common cause of aberrant splicing (PMID: 17576681, 9536098). Algorithms developed to predict the effect of sequence changes on RNA splicing suggest that this variant may disrupt the consensus splice site. In summary, the available evidence is currently insufficient to determine the role of this variant in disease. Therefore, it has been classified as a Variant of Uncertain Significance.

Literature cited by the submitters: PubMed 17576681; PubMed 9536098.

NM_005862.3(STAG1):c.394+5A>G

Gene: STAG1 (STAG1 cohesin complex component; minus strand). Cytogenetic location: 3q22.3.
Variant type: single nucleotide variant.
Coding change: c.394+5A>G on transcript NM_005862.3 (MANE Select); 5 bases into the intron after coding-DNA position 394, A replaced by G.
Molecular consequence: intron variant.
Genome position (GRCh38, 1-based): chr3:136,568,760, T>C on the plus strand (A>G on the coding strand, the complement: STAG1 is on the minus strand). VCF-style: chr3-136568760-T-C. GRCh37 (hg19) VCF-style: chr3-136287602-T-C.
Identifiers: ClinVar variation 2870001 (VCV002870001.3), dbSNP rs962850386, ClinGen allele CA84272478.
Genomic context (GRCh38, chr3:136,568,760, plus strand): 5'-GAAGTAAAAGTCACACTGCTGGACTGACAGGCTCAATGTACATCATTTATTTCAACATTC[T>C]GTACCTCGACATCCTGAACACTGGATAAAAAAGTTGATTAAATCCAGAAGTGCGATGTCC-3'